The following is an entry in ClinVar:

NM_005762.3(TRIM28):c.1639C>A (p.Leu547Met)

Gene: TRIM28 (tripartite motif containing 28; plus strand). Cytogenetic location: 19q13.43.
Variant type: single nucleotide variant.
Coding change: c.1639C>A on transcript NM_005762.3 (MANE Select); coding-DNA position 1639, C replaced by A.
Protein change: p.Leu547Met; replaces leucine 547 with methionine.
Molecular consequence: missense variant.
Genome position (GRCh38, 1-based): chr19:58,549,217, C>A. VCF-style: chr19-58549217-C-A. GRCh37 (hg19) VCF-style: chr19-59060584-C-A.
Other names: short protein forms L547M.
Identifiers: ClinVar variation 2253151 (VCV002253151.4), dbSNP rs371947385, ClinGen allele CA9719325.

ClinVar aggregate classification (germline): Uncertain significance. Review status: criteria provided, single submitter (1 of 4 stars). 2 submissions from 2 submitters: Uncertain significance (1). 1 of the submissions does not count toward it. Last evaluated 2021-10-05.

Conditions:
TRIM28-related disorder. Also called: TRIM28-related condition.

Allele frequency attached by ClinVar (database versions not stated): 1000 Genomes Project 30x 0.00016; 1000 Genomes Project 0.00020.
gnomAD v4.1: 5 of 1,613,714 alleles (0.00031%); highest among the groups gnomAD compares: Admixed American, 0.005%; no homozygotes.

Submissions (2):

Ambry Genetics
Classification: Uncertain significance. Last evaluated: 2021-10-05. Review status: criteria provided, single submitter. Criteria: Ambry Variant Classification Scheme 2023. Collection method: clinical testing. Allele origin: germline.

PreventionGenetics, part of Exact Sciences
Classification: Uncertain significance for TRIM28-related condition. Last evaluated: 2023-11-28. Review status: no assertion criteria provided. Collection method: clinical testing. Allele origin: germline. Not counted in ClinVar's aggregate classification.
Comment: The TRIM28 c.1639C>A variant is predicted to result in the amino acid substitution p.Leu547Met. To our knowledge, this variant has not been reported in the literature. This variant is reported in 0.0058% of alleles in individuals of Latino descent in gnomAD. It is interpreted as uncertain significance in ClinVar. At this time, the clinical significance of this variant is uncertain due to the absence of conclusive functional and genetic evidence.